The following is an entry in ClinVar:

NM_005633.4(SOS1):c.347A>T (p.Glu116Val)

Gene: SOS1 (SOS Ras/Rac guanine nucleotide exchange factor 1; minus strand). Cytogenetic location: 2p22.1.
Variant type: single nucleotide variant.
Coding change: c.347A>T on transcript NM_005633.4 (MANE Select); coding-DNA position 347, A replaced by T.
Protein change: p.Glu116Val; replaces glutamic acid 116 with valine.
Molecular consequence: missense variant.
Genome position (GRCh38, 1-based): chr2:39,056,865, T>A on the plus strand (A>T on the coding strand, the complement: SOS1 is on the minus strand). VCF-style: chr2-39056865-T-A. GRCh37 (hg19) VCF-style: chr2-39284006-T-A.
Other names: c.326A>T, p.Glu109Val (NM_001382394.1); c.347A>T, p.Glu116Val (NM_001382395.1); short protein forms E109V, E116V.
Identifiers: ClinVar variation 1473614 (VCV001473614.6), dbSNP rs2124607524, ClinGen allele CA346373752.

ClinVar aggregate classification (germline): Uncertain significance (1 of 4 stars; one submission).

Conditions:
RASopathy. Also called: rasopathies; Noonan spectrum disorder. Identifiers: Orphanet 536391, MedGen C5555857, MONDO:0021060.

Submission:

Labcorp Genetics (formerly Invitae), Labcorp
Classification: Uncertain significance for RASopathy. Last evaluated: 2021-10-22. Review status: criteria provided, single submitter. Criteria: Invitae Variant Classification Sherloc (09022015). Collection method: clinical testing. Allele origin: germline.
Comment: This sequence change replaces glutamic acid with valine at codon 116 of the SOS1 protein (p.Glu116Val). The glutamic acid residue is moderately conserved and there is a moderate physicochemical difference between glutamic acid and valine. This variant is not present in population databases (ExAC no frequency). This variant has not been reported in the literature in individuals affected with SOS1-related conditions. Algorithms developed to predict the effect of missense changes on protein structure and function are either unavailable or do not agree on the potential impact of this missense change (SIFT: "Deleterious"; PolyPhen-2: "Probably Damaging"; Align-GVGD: "Class C0"). Algorithms developed to predict the effect of sequence changes on RNA splicing suggest that this variant may create or strengthen a splice site. In summary, the available evidence is currently insufficient to determine the role of this variant in disease. Therefore, it has been classified as a Variant of Uncertain Significance.